The following is an entry in ClinVar:

ClinVar aggregate classification (germline): Uncertain significance. Review status: criteria provided, multiple submitters, no conflicts (2 of 4 stars). 2 submissions from 2 submitters: Uncertain significance (2). Last evaluated 2024-12-10.

Allele frequency attached by ClinVar (database versions not stated): gnomAD exomes 0.00002; gnomAD 0.00005; TOPMed 0.00005; ExAC 0.00007.

Submissions (2):

Labcorp Genetics (formerly Invitae), Labcorp
Classification: Uncertain significance. Last evaluated: 2024-12-10. Review status: criteria provided, single submitter. Criteria: Invitae Variant Classification Sherloc (09022015). Collection method: clinical testing. Allele origin: germline.
Comment: This sequence change replaces arginine, which is basic and polar, with tryptophan, which is neutral and slightly polar, at codon 7 of the GUF1 protein (p.Arg7Trp). This variant is present in population databases (rs200598044, gnomAD 0.03%). This variant has not been reported in the literature in individuals affected with GUF1-related conditions. ClinVar contains an entry for this variant (Variation ID: 1351191). An algorithm developed to predict the effect of missense changes on protein structure and function outputs the following: PolyPhen-2: "Benign". The tryptophan amino acid residue is found in multiple mammalian species, which suggests that this missense change does not adversely affect protein function. In summary, the available evidence is currently insufficient to determine the role of this variant in disease. Therefore, it has been classified as a Variant of Uncertain Significance.

Breakthrough Genomics
Classification: Uncertain significance. Review status: criteria provided, single submitter. Criteria: ACMG Guidelines, 2015. Collection method: not provided. Allele origin: germline. Inheritance: Autosomal recessive inheritance. Affected: yes.

NM_021927.3(GUF1):c.19C>T (p.Arg7Trp)

Genes: GUF1 (GTP binding elongation factor GUF1; plus strand), LOC129992541 (ATAC-STARR-seq lymphoblastoid silent region 15397; plus strand). Cytogenetic location: 4p12.
Variant type: single nucleotide variant.
Coding change: c.19C>T on transcript NM_021927.3 (MANE Select); coding-DNA position 19, C replaced by T.
Protein change: p.Arg7Trp; replaces arginine 7 with tryptophan.
Molecular consequence: missense variant. On other transcripts: 5 prime UTR variant (2).
Genome position (GRCh38, 1-based): chr4:44,678,641, C>T. VCF-style: chr4-44678641-C-T. GRCh37 (hg19) VCF-style: chr4-44680658-C-T.
Other names: c.-950C>T (NM_001345867.2); c.19C>T, p.Arg7Trp (NM_001345868.2); c.-842C>T (NM_001345869.2); short protein forms R7W.
Identifiers: ClinVar variation 1351191 (VCV001351191.7), dbSNP rs200598044, ClinGen allele CA2905159.
Genomic context (GRCh38, chr4:44,678,641, plus strand): 5'-TGCGTGTGGGTACCCTCTCCTGACGCCTCCGCCGCCCGGGTCATGTGGACCCTCGTGGGT[C>T]GGGGCTGGGGGTGCGCACGCGCTCTCGCGCCACGAGCCACTGGGGCCGCGCTTCTGGTGG-3'
Protein context (NP_068746.2, residues 1-17): MWTLVG[Arg7Trp]GWGCARALAP